The following is an entry in ClinVar:

NM_020774.4(MIB1):c.2161dup (p.Met721fs)

Gene: MIB1 (MIB E3 ubiquitin protein ligase 1; plus strand). Cytogenetic location: 18q11.2.
Variant type: Duplication.
Coding change: c.2161dup on transcript NM_020774.4 (MANE Select); coding-DNA position 2161, one base duplicated (A; older notation c.2161dupA).
Protein change: p.Met721fs; shifts the reading frame from methionine 721.
Molecular consequence: frameshift variant.
Genome position (GRCh38, 1-based): chr18:21,844,203, A duplicated. VCF-style (leftmost placement, unchanged base first): chr18-21844202-T-TA. GRCh37 (hg19) VCF-style: chr18-19424163-T-TA.
Other names: c.2161dupA (NM_020774.3); short protein forms M721fs.
Identifiers: ClinVar variation 3029378 (VCV003029378.2), dbSNP rs2527534050, ClinGen allele CA2740093972.

ClinVar aggregate classification (germline): Uncertain significance (0 of 4 stars; one submission).

Conditions:
MIB1-related disorder. Also called: MIB1-related condition.

Submission:

PreventionGenetics, part of Exact Sciences
Classification: Uncertain significance for MIB1-related condition. Last evaluated: 2023-12-08. Review status: no assertion criteria provided. Collection method: clinical testing. Allele origin: germline.
Comment: The MIB1 c.2161dupA variant is predicted to result in a frameshift and premature protein termination (p.Met721Asnfs*45). To our knowledge, this variant has not been reported in the literature or in a large population database, indicating this variant is rare. At this time, the clinical significance of this variant is uncertain due to the absence of conclusive functional and genetic evidence.